The following is an entry in ClinVar:

ClinVar aggregate classification (germline): Uncertain significance (1 of 4 stars; one submission).

Conditions:
CHARGE syndrome (CHARGE). Also called: Hittner Hirsch Kreh syndrome; CHARGE ASSOCIATION--COLOBOMA, HEART ANOMALY, CHOANAL ATRESIA, RETARDATION, GENITAL AND EAR ANOMALIES; Coloboma, heart anomaly, choanal atresia, retardation, genital and ear anomalies; CHARGE association; Hall-Hittner syndrome. Identifiers: Orphanet 138, MedGen C0265354, MONDO:0008965.

Submission:

Labcorp Genetics (formerly Invitae), Labcorp
Classification: Uncertain significance for CHARGE syndrome. Last evaluated: 2026-01-12. Review status: criteria provided, single submitter. Criteria: Invitae Variant Classification Sherloc (09022015). Collection method: clinical testing. Allele origin: germline.
Comment: This sequence change replaces alanine, which is neutral and non-polar, with valine, which is neutral and non-polar, at codon 1710 of the CHD7 protein (p.Ala1710Val). This variant is not present in population databases (gnomAD no frequency). This variant has not been reported in the literature in individuals affected with CHD7-related conditions. Invitae Evidence Modeling of protein sequence and biophysical properties (such as structural, functional, and spatial information, amino acid conservation, physicochemical variation, residue mobility, and thermodynamic stability) indicates that this missense variant is not expected to disrupt CHD7 protein function with a negative predictive value of 95%. In summary, the available evidence is currently insufficient to determine the role of this variant in disease. Therefore, it has been classified as a Variant of Uncertain Significance.

NM_017780.4(CHD7):c.5129C>T (p.Ala1710Val)

Gene: CHD7 (chromodomain helicase DNA binding protein 7; plus strand). Cytogenetic location: 8q12.2.
Variant type: single nucleotide variant.
Coding change: c.5129C>T on transcript NM_017780.4 (MANE Select); coding-DNA position 5129, C replaced by T.
Protein change: p.Ala1710Val; replaces alanine 1710 with valine.
Molecular consequence: missense variant. On other transcripts: intron variant (1).
Genome position (GRCh38, 1-based): chr8:60,845,328, C>T. VCF-style: chr8-60845328-C-T. GRCh37 (hg19) VCF-style: chr8-61757887-C-T.
Other names: c.1717-16901C>T (NM_001316690.1); short protein forms A1710V.
Identifiers: ClinVar variation 4746300 (VCV004746300.1).